The following is an entry in ClinVar:

ClinVar aggregate classification (germline): Uncertain significance (1 of 4 stars; one submission).

Submission:

Labcorp Genetics (formerly Invitae), Labcorp
Classification: Uncertain significance. Last evaluated: 2025-01-08. Review status: criteria provided, single submitter. Criteria: Invitae Variant Classification Sherloc (09022015). Collection method: clinical testing. Allele origin: germline.
Comment: This sequence change replaces alanine, which is neutral and non-polar, with glycine, which is neutral and non-polar, at codon 361 of the SIAE protein (p.Ala361Gly). This variant is not present in population databases (gnomAD no frequency). This variant has not been reported in the literature in individuals affected with SIAE-related conditions. An algorithm developed to predict the effect of missense changes on protein structure and function (PolyPhen-2) suggests that this variant is likely to be disruptive. In summary, the available evidence is currently insufficient to determine the role of this variant in disease. Therefore, it has been classified as a Variant of Uncertain Significance.

NM_170601.5(SIAE):c.1082C>G (p.Ala361Gly)

Gene: SIAE (sialic acid acetylesterase; minus strand). Cytogenetic location: 11q24.2.
Variant type: single nucleotide variant.
Coding change: c.1082C>G on transcript NM_170601.5 (MANE Select); coding-DNA position 1082, C replaced by G.
Protein change: p.Ala361Gly; replaces alanine 361 with glycine.
Molecular consequence: missense variant.
Genome position (GRCh38, 1-based): chr11:124,639,752, G>C on the plus strand (C>G on the coding strand, the complement: SIAE is on the minus strand). VCF-style: chr11-124639752-G-C. GRCh37 (hg19) VCF-style: chr11-124509648-G-C.
Other names: c.977C>G, p.Ala326Gly (NM_001199922.2); short protein forms A326G, A361G.
Identifiers: ClinVar variation 3728716 (VCV003728716.2).